The following is an entry in ClinVar:

ClinVar aggregate classification (germline): Likely pathogenic (1 of 4 stars; one submission).

Conditions:
Niemann-Pick disease, type C1. Also called: NEUROVISCERAL STORAGE DISEASE WITH VERTICAL SUPRANUCLEAR OPHTHALMOPLEGIA; NIEMANN-PICK DISEASE WITH CHOLESTEROL ESTERIFICATION BLOCK; NIEMANN-PICK DISEASE WITHOUT SPHINGOMYELINASE DEFICIENCY; NIEMANN-PICK DISEASE, CHRONIC NEURONOPATHIC FORM; NIEMANN-PICK DISEASE, VARIANT TYPE C1. Identifiers: Orphanet 646, MedGen C3179455, MONDO:0009757, OMIM 257220.

Submission:

Myriad Genetics, Inc.
Classification: Likely pathogenic for Niemann-Pick disease, type C1. Last evaluated: 2026-01-23. Review status: criteria provided, single submitter. Criteria: Myriad Autosomal Dominant, Autosomal Recessive and X-Linked Classification Criteria (2023). Collection method: clinical testing. Allele origin: unknown.
Comment: NM_000271.4(NPC1):c.3395_3396insT(M1133Hfs*125) is a frameshift variant classified as likely pathogenic in the context of Niemann-Pick disease type C1. M1133Hfs*125 has not been observed in cases with relevant disease. Relevant functional assessments of this variant are not available in the literature. Internal structural analysis of the variant is supportive of pathogenicity. M1133Hfs*125 has not been observed in referenced population frequency databases. In summary, NM_000271.4(NPC1):c.3395_3396insT(M1133Hfs*125) is a frameshift variant in a gene where loss of function is a known mechanism of disease and is predicted to disrupt protein function. Please note: this variant was assessed in the context of healthy population screening.

NM_000271.5(NPC1):c.3395_3396insT (p.Met1133fs)

Gene: NPC1 (NPC intracellular cholesterol transporter 1; minus strand). Cytogenetic location: 18q11.2.
Variant type: Insertion.
Coding change: c.3395_3396insT on transcript NM_000271.5 (MANE Select); coding-DNA positions 3395 to 3396, T inserted.
Protein change: p.Met1133fs; shifts the reading frame from methionine 1133.
Molecular consequence: frameshift variant.
Genome position: GRCh38 VCF-style: chr18-23535550-G-GA. GRCh37 (hg19) VCF-style: chr18-21115514-G-GA.
Other names: short protein forms M1133fs.
Identifiers: ClinVar variation 5004420 (VCV005004420.1).